The following is an entry in ClinVar:

NM_001098426.2(SMARCD2):c.524G>A (p.Arg175His)

Gene: SMARCD2 (SWI/SNF related BAF chromatin remodeling complex subunit D2; minus strand). Cytogenetic location: 17q23.3.
Variant type: single nucleotide variant.
Coding change: c.524G>A on transcript NM_001098426.2 (MANE Select); coding-DNA position 524, G replaced by A.
Protein change: p.Arg175His; replaces arginine 175 with histidine.
Molecular consequence: missense variant.
Genome position (GRCh38, 1-based): chr17:63,836,965, C>T on the plus strand (G>A on the coding strand, the complement: SMARCD2 is on the minus strand). VCF-style: chr17-63836965-C-T. GRCh37 (hg19) VCF-style: chr17-61914325-C-T.
Other names: c.299G>A, p.Arg100His (NM_001330439.1); c.380G>A, p.Arg127His (NM_001330440.2); c.524G>A (NM_001098426.1); short protein forms R100H, R127H, R175H.
Identifiers: ClinVar variation 1514242 (VCV001514242.4), dbSNP rs773052349, ClinGen allele CA8706469.

ClinVar aggregate classification (germline): Uncertain significance. Review status: criteria provided, multiple submitters, no conflicts (2 of 4 stars). 2 submissions from 2 submitters: Uncertain significance (2). Last evaluated 2023-12-22.

Conditions:
Inborn genetic diseases. Identifiers: MedGen C0950123, MeSH D030342.

Allele frequency attached by ClinVar (database versions not stated): gnomAD exomes 0.00001 and 0.00003; TOPMed 0.00001; ExAC 0.00005.
gnomAD v4.1: 12 of 1,613,878 alleles (0.00074%); highest among the groups gnomAD compares: East Asian, 0.0067%; no homozygotes.

Submissions (2):

Ambry Genetics
Classification: Uncertain significance for Inborn genetic diseases. Last evaluated: 2023-12-22. Review status: criteria provided, single submitter. Criteria: Ambry Variant Classification Scheme 2023. Collection method: clinical testing. Allele origin: germline.

Labcorp Genetics (formerly Invitae), Labcorp
Classification: Uncertain significance. Last evaluated: 2022-09-01. Review status: criteria provided, single submitter. Criteria: Invitae Variant Classification Sherloc (09022015). Collection method: clinical testing. Allele origin: germline.
Comment: This sequence change replaces arginine, which is basic and polar, with histidine, which is basic and polar, at codon 175 of the SMARCD2 protein (p.Arg175His). This variant is present in population databases (rs773052349, gnomAD 0.03%). This variant has not been reported in the literature in individuals affected with SMARCD2-related conditions. ClinVar contains an entry for this variant (Variation ID: 1514242). Algorithms developed to predict the effect of missense changes on protein structure and function are either unavailable or do not agree on the potential impact of this missense change (SIFT: "Deleterious"; PolyPhen-2: "Probably Damaging"; Align-GVGD: "Class C0"). In summary, the available evidence is currently insufficient to determine the role of this variant in disease. Therefore, it has been classified as a Variant of Uncertain Significance.